The following is an entry in ClinVar:

ClinVar aggregate classification (germline): Uncertain significance (1 of 4 stars; one submission).

Submission:

Labcorp Genetics (formerly Invitae), Labcorp
Classification: Uncertain significance. Last evaluated: 2023-04-12. Review status: criteria provided, single submitter. Criteria: Invitae Variant Classification Sherloc (09022015). Collection method: clinical testing. Allele origin: germline.
Comment: Advanced modeling of protein sequence and biophysical properties (such as structural, functional, and spatial information, amino acid conservation, physicochemical variation, residue mobility, and thermodynamic stability) performed at Invitae indicates that this missense variant is expected to disrupt SLC12A2 protein function. This variant has not been reported in the literature in individuals affected with SLC12A2-related conditions. This variant is not present in population databases (gnomAD no frequency). This sequence change replaces tyrosine, which is neutral and polar, with histidine, which is basic and polar, at codon 655 of the SLC12A2 protein (p.Tyr655His). In summary, the available evidence is currently insufficient to determine the role of this variant in disease. Therefore, it has been classified as a Variant of Uncertain Significance.

NM_001046.3(SLC12A2):c.1963T>C (p.Tyr655His)

Gene: SLC12A2 (solute carrier family 12 member 2; plus strand). Cytogenetic location: 5q23.3.
Variant type: single nucleotide variant.
Coding change: c.1963T>C on transcript NM_001046.3 (MANE Select); coding-DNA position 1963, T replaced by C.
Protein change: p.Tyr655His; replaces tyrosine 655 with histidine.
Molecular consequence: missense variant. On other transcripts: non-coding transcript variant (1).
Genome position (GRCh38, 1-based): chr5:128,148,835, T>C. VCF-style: chr5-128148835-T-C. GRCh37 (hg19) VCF-style: chr5-127484527-T-C.
Other names: c.1963T>C, p.Tyr655His (NM_001256461.2); short protein forms Y655H.
Identifiers: ClinVar variation 2854922 (VCV002854922.3), dbSNP rs2479404999, ClinGen allele CA360747362.